The following is an entry in ClinVar:

NM_015001.3(SPEN):c.6961G>C (p.Val2321Leu)

Gene: SPEN (spen family transcriptional repressor; plus strand). Cytogenetic location: 1p36.13.
Variant type: single nucleotide variant.
Coding change: c.6961G>C on transcript NM_015001.3 (MANE Select); coding-DNA position 6961, G replaced by C.
Protein change: p.Val2321Leu; replaces valine 2321 with leucine.
Molecular consequence: missense variant.
Genome position (GRCh38, 1-based): chr1:15,933,201, G>C. VCF-style: chr1-15933201-G-C. GRCh37 (hg19) VCF-style: chr1-16259696-G-C.
Other names: short protein forms V2321L.
Identifiers: ClinVar variation 2502524 (VCV002502524.1), dbSNP rs2523088102, ClinGen allele CA338638888.

ClinVar aggregate classification (germline): Uncertain significance (1 of 4 stars; one submission).

Submission:

GeneDx
Classification: Uncertain significance. Last evaluated: 2022-11-17. Review status: criteria provided, single submitter. Criteria: GeneDx Variant Classification Process June 2021. Collection method: clinical testing. Allele origin: germline. Affected: yes.
Comment: Not observed at significant frequency in large population cohorts (gnomAD); In silico analysis supports that this missense variant does not alter protein structure/function; Has not been previously published as pathogenic or benign to our knowledge